The following is an entry in ClinVar:

ClinVar aggregate classification (germline): Uncertain significance (1 of 4 stars; one submission).

Conditions:
Immunodeficiency 25. Also called: Immunodeficiency due to defect in cd3-zeta, somatic. Identifiers: MedGen C1857798, MONDO:0012426, OMIM 610163.

Submission:

Labcorp Genetics (formerly Invitae), Labcorp
Classification: Uncertain significance for Immunodeficiency 25. Last evaluated: 2022-03-15. Review status: criteria provided, single submitter. Criteria: Invitae Variant Classification Sherloc (09022015). Collection method: clinical testing. Allele origin: germline.
Comment: Algorithms developed to predict the effect of sequence changes on RNA splicing suggest that this variant may disrupt the consensus splice site. In summary, the available evidence is currently insufficient to determine the role of this variant in disease. Therefore, it has been classified as a Variant of Uncertain Significance. This variant has not been reported in the literature in individuals affected with CD247-related conditions. This variant is not present in population databases (gnomAD no frequency). This sequence change falls in intron 6 of the CD247 gene. It does not directly change the encoded amino acid sequence of the CD247 protein.

NM_198053.3(CD247):c.394-19T>G

Gene: CD247 (CD247 molecule; minus strand). Cytogenetic location: 1q24.2.
Variant type: single nucleotide variant.
Coding change: c.394-19T>G on transcript NM_198053.3 (MANE Select); 19 bases into the intron before coding-DNA position 394, T replaced by G.
Molecular consequence: intron variant.
Genome position (GRCh38, 1-based): chr1:167,433,078, A>C on the plus strand (T>G on the coding strand, the complement: CD247 is on the minus strand). VCF-style: chr1-167433078-A-C. GRCh37 (hg19) VCF-style: chr1-167402315-A-C.
Other names: c.391-19T>G (NM_000734.4); c.484-19T>G (NM_001378516.1); c.487-19T>G (NM_001378515.1).
Identifiers: ClinVar variation 2112523 (VCV002112523.4), dbSNP rs1571504909, ClinGen allele CA1205260662.